The following is an entry in ClinVar:

NM_006258.4(PRKG1):c.230A>G (p.Gln77Arg)

Gene: PRKG1 (protein kinase cGMP-dependent 1; plus strand). Cytogenetic location: 10q11.23.
Variant type: single nucleotide variant.
Coding change: c.230A>G on transcript NM_006258.4 (MANE Select); coding-DNA position 230, A replaced by G.
Protein change: p.Gln77Arg; replaces glutamine 77 with arginine.
Molecular consequence: missense variant. On other transcripts: intron variant (1).
Genome position (GRCh38, 1-based): chr10:51,074,820, A>G. VCF-style: chr10-51074820-A-G. GRCh37 (hg19) VCF-style: chr10-52834580-A-G.
Other names: c.230A>G, p.Gln77Arg (NM_001374782.1); c.267-78344A>G (NM_001098512.3); short protein forms Q77R.
Identifiers: ClinVar variation 1470454 (VCV001470454.6), dbSNP rs2132804699, ClinGen allele CA376827079.

ClinVar aggregate classification (germline): Uncertain significance (1 of 4 stars; one submission).

Conditions:
Aortic aneurysm, familial thoracic 8 (AAT8). Identifiers: MedGen C3809513, MONDO:0014187, OMIM 615436.

gnomAD v4.1: 1 of 1,613,708 alleles (0.000062%); highest among the groups gnomAD compares: African/African-American, 0.0013%; no homozygotes.

Submission:

Labcorp Genetics (formerly Invitae), Labcorp
Classification: Uncertain significance for Aortic aneurysm, familial thoracic 8. Last evaluated: 2021-11-05. Review status: criteria provided, single submitter. Criteria: Invitae Variant Classification Sherloc (09022015). Collection method: clinical testing. Allele origin: germline.
Comment: This sequence change replaces glutamine, which is neutral and polar, with arginine, which is basic and polar, at codon 77 of the PRKG1 protein (p.Gln77Arg). This variant is not present in population databases (gnomAD no frequency). This variant has not been reported in the literature in individuals affected with PRKG1-related conditions. Algorithms developed to predict the effect of missense changes on protein structure and function (SIFT, PolyPhen-2, Align-GVGD) all suggest that this variant is likely to be tolerated. In summary, the available evidence is currently insufficient to determine the role of this variant in disease. Therefore, it has been classified as a Variant of Uncertain Significance.